The following is an entry in ClinVar:

ClinVar aggregate classification (germline): Conflicting classifications of pathogenicity. Review status: criteria provided, conflicting classifications (1 of 4 stars). 2 submissions from 2 submitters: Uncertain significance (1); Likely benign (1). Last evaluated 2022-11-01.

Conditions:
Neuromuscular disease caused by qualitative or quantitative defects of dysferlin. Also called: Qualitative or quantitative defects of dysferlin; Dysferlinopathy. Identifiers: Orphanet 207073, MedGen C2931687, MONDO:0016145.

Allele frequency attached by ClinVar (database versions not stated): TOPMed 0.00008; gnomAD 0.00048 and below 0.00001; 1000 Genomes Project 0.00220; 1000 Genomes Project 30x 0.00297.
gnomAD v4.1: 650 of 401,824 alleles (0.16%); highest among the groups gnomAD compares: South Asian, 1.4%; 11 homozygotes.

Submissions (2):

CeGaT Center for Human Genetics Tuebingen
Classification: Likely benign. Last evaluated: 2022-11-01. Review status: criteria provided, single submitter. Criteria: CeGaT Center For Human Genetics Tuebingen Variant Classification Criteria Version 2. Collection method: clinical testing. Allele origin: germline. Affected: yes. Observed: 1 variant allele.
Comment: ENSG00000289327: BS1

Illumina Laboratory Services, Illumina
Classification: Uncertain significance for Qualitative or quantitative defects of dysferlin. Last evaluated: 2018-01-12. Review status: criteria provided, single submitter. Criteria: ICSL Variant Classification Criteria 13 December 2019. Collection method: clinical testing. Allele origin: germline.

NM_003494.4(DYSF):c.-327G>T

Gene: DYSF (dysferlin; plus strand). Cytogenetic location: 2p13.2.
Variant type: single nucleotide variant.
Coding change: c.-327G>T on transcript NM_003494.4 (MANE Plus Clinical); 327 bases upstream of the start codon, G replaced by T.
Molecular consequence: 5 prime UTR variant.
Genome position (GRCh38, 1-based): chr2:71,453,672, G>T. VCF-style: chr2-71453672-G-T. GRCh37 (hg19) VCF-style: chr2-71680802-G-T.
Other names: c.-327G>T (NM_001130976.2, NM_001130977.2, NM_001130978.2 and 3 more transcripts).
Identifiers: ClinVar variation 898377 (VCV000898377.27), dbSNP rs535087290, ClinGen allele CA49734132.